The following is an entry in ClinVar:

NM_001271938.2(MEGF8):c.790G>A (p.Ala264Thr)

Gene: MEGF8 (multiple EGF like domains 8; plus strand). Cytogenetic location: 19q13.2.
Variant type: single nucleotide variant.
Coding change: c.790G>A on transcript NM_001271938.2 (MANE Select); coding-DNA position 790, G replaced by A.
Protein change: p.Ala264Thr; replaces alanine 264 with threonine.
Molecular consequence: missense variant.
Genome position (GRCh38, 1-based): chr19:42,335,347, G>A. VCF-style: chr19-42335347-G-A. GRCh37 (hg19) VCF-style: chr19-42839499-G-A.
Other names: c.790G>A, p.Ala264Thr (NM_001410.3); c.790G>A (NM_001410.2); short protein forms A264T.
Identifiers: ClinVar variation 1962740 (VCV001962740.6), dbSNP rs371198327, ClinGen allele CA9474278.

ClinVar aggregate classification (germline): Uncertain significance. Review status: criteria provided, multiple submitters, no conflicts (2 of 4 stars). 2 submissions from 2 submitters: Uncertain significance (2). Last evaluated 2025-02-20.

Conditions:
Inborn genetic diseases. Identifiers: MedGen C0950123, MeSH D030342.
MEGF8-related Carpenter syndrome. Also called: Carpenter syndrome 2. Identifiers: Orphanet 65759, MedGen C3554247, MONDO:0013998, OMIM 614976.

Allele frequency attached by ClinVar (database versions not stated): ExAC 0.00001; gnomAD exomes 0.00002; gnomAD 0.00003; TOPMed 0.00003; ESP Exome Variant Server 0.00008.
gnomAD v4.1: 37 of 1,613,802 alleles (0.0023%); highest among the groups gnomAD compares: Middle Eastern, 0.049%; no homozygotes.

Submissions (2):

Ambry Genetics
Classification: Uncertain significance for Inborn genetic diseases. Last evaluated: 2025-02-20. Review status: criteria provided, single submitter. Criteria: Ambry Variant Classification Scheme 2023. Collection method: clinical testing. Allele origin: germline.

Labcorp Genetics (formerly Invitae), Labcorp
Classification: Uncertain significance for MEGF8-related Carpenter syndrome. Last evaluated: 2022-04-01. Review status: criteria provided, single submitter. Criteria: Invitae Variant Classification Sherloc (09022015). Collection method: clinical testing. Allele origin: germline.
Comment: In summary, the available evidence is currently insufficient to determine the role of this variant in disease. Therefore, it has been classified as a Variant of Uncertain Significance. Algorithms developed to predict the effect of missense changes on protein structure and function output the following: SIFT: "Tolerated"; PolyPhen-2: "Benign"; Align-GVGD: "Class C0". The threonine amino acid residue is found in multiple mammalian species, which suggests that this missense change does not adversely affect protein function. This variant has not been reported in the literature in individuals affected with MEGF8-related conditions. This variant is present in population databases (rs371198327, gnomAD 0.006%). This sequence change replaces alanine, which is neutral and non-polar, with threonine, which is neutral and polar, at codon 264 of the MEGF8 protein (p.Ala264Thr).